The following is an entry in ClinVar:

NM_001291303.3(FAT4):c.13555G>T (p.Ala4519Ser)

Gene: FAT4 (FAT atypical cadherin 4; plus strand). Cytogenetic location: 4q28.1.
Variant type: single nucleotide variant.
Coding change: c.13555G>T on transcript NM_001291303.3 (MANE Select); coding-DNA position 13555, G replaced by T.
Protein change: p.Ala4519Ser; replaces alanine 4519 with serine.
Molecular consequence: missense variant.
Genome position (GRCh38, 1-based): chr4:125,490,371, G>T. VCF-style: chr4-125490371-G-T. GRCh37 (hg19) VCF-style: chr4-126411526-G-T.
Other names: c.13552G>T, p.Ala4518Ser (NM_001291285.3); c.13549G>T, p.Ala4517Ser (NM_024582.6); short protein forms A4519S, A4517S, A4518S.
Identifiers: ClinVar variation 3637032 (VCV003637032.2).

ClinVar aggregate classification (germline): Uncertain significance (1 of 4 stars; one submission).

Submission:

Labcorp Genetics (formerly Invitae), Labcorp
Classification: Uncertain significance. Last evaluated: 2026-02-02. Review status: criteria provided, single submitter. Criteria: Invitae Variant Classification Sherloc (09022015). Collection method: clinical testing. Allele origin: germline.
Comment: This sequence change replaces alanine, which is neutral and non-polar, with serine, which is neutral and polar, at codon 4517 of the FAT4 protein (p.Ala4517Ser). This variant is not present in population databases (gnomAD no frequency). This variant has not been reported in the literature in individuals affected with FAT4-related conditions. ClinVar contains an entry for this variant (Variation ID: 3637032). Invitae Evidence Modeling of protein sequence and biophysical properties (such as structural, functional, and spatial information, amino acid conservation, physicochemical variation, residue mobility, and thermodynamic stability) indicates that this missense variant is not expected to disrupt FAT4 protein function with a negative predictive value of 95%. In summary, the available evidence is currently insufficient to determine the role of this variant in disease. Therefore, it has been classified as a Variant of Uncertain Significance.